The following is an entry in ClinVar:

ClinVar aggregate classification (germline): Uncertain significance. Review status: criteria provided, multiple submitters, no conflicts (2 of 4 stars). 2 submissions from 2 submitters: Uncertain significance (2). Last evaluated 2023-08-20.

Conditions:
Inborn genetic diseases. Identifiers: MedGen C0950123, MeSH D030342.
Neuronopathy, distal hereditary motor, type 7B. Also called: NEURONOPATHY, DISTAL HEREDITARY MOTOR, AUTOSOMAL DOMINANT 14; NEURONOPATHY, DISTAL HEREDITARY MOTOR, HARDING TYPE VIIB; NEUROPATHY, DISTAL HEREDITARY MOTOR, HARDING TYPE VIIB; NEUROPATHY, DISTAL HEREDITARY MOTOR, WITH VOCAL CORD PARALYSIS, HARDING TYPE VIIB; Distal Hereditary Motor Neuronopathy Type 7B (dHMN7B); HMN VIIB. Identifiers: Orphanet 139589, MedGen C1843315, MONDO:0011879, OMIM 607641.
Amyotrophic lateral sclerosis type 1 (ALS1). Also called: AMYOTROPHIC LATERAL SCLEROSIS 1, FAMILIAL. Identifiers: Orphanet 803, MedGen C1862939, MONDO:0007103, OMIM 105400.
Perry syndrome. Also called: PARKINSONISM WITH ALVEOLAR HYPOVENTILATION AND MENTAL DEPRESSION. Identifiers: Orphanet 178509, MedGen C1868594, MONDO:0008201, OMIM 168605.

Submissions (2):

Labcorp Genetics (formerly Invitae), Labcorp
Classification: Uncertain significance for Amyotrophic lateral sclerosis type 1; Neuronopathy, distal hereditary motor, type 7B; Perry syndrome. Last evaluated: 2023-08-20. Review status: criteria provided, single submitter. Criteria: Invitae Variant Classification Sherloc (09022015). Collection method: clinical testing. Allele origin: germline.
Comment: This sequence change replaces methionine, which is neutral and non-polar, with leucine, which is neutral and non-polar, at codon 592 of the DCTN1 protein (p.Met592Leu). In summary, the available evidence is currently insufficient to determine the role of this variant in disease. Therefore, it has been classified as a Variant of Uncertain Significance. Advanced modeling of protein sequence and biophysical properties (such as structural, functional, and spatial information, amino acid conservation, physicochemical variation, residue mobility, and thermodynamic stability) performed at Invitae indicates that this missense variant is not expected to disrupt DCTN1 protein function. ClinVar contains an entry for this variant (Variation ID: 2321923). This variant has not been reported in the literature in individuals affected with DCTN1-related conditions. This variant is not present in population databases (gnomAD no frequency).

Ambry Genetics
Classification: Uncertain significance for Inborn genetic diseases. Last evaluated: 2022-11-15. Review status: criteria provided, single submitter. Criteria: Ambry Variant Classification Scheme 2023. Collection method: clinical testing. Allele origin: germline.

NM_004082.5(DCTN1):c.1774A>C (p.Met592Leu)

Gene: DCTN1 (dynactin subunit 1; minus strand). Cytogenetic location: 2p13.1.
Variant type: single nucleotide variant.
Coding change: c.1774A>C on transcript NM_004082.5 (MANE Select); coding-DNA position 1774, A replaced by C.
Protein change: p.Met592Leu; replaces methionine 592 with leucine.
Molecular consequence: missense variant. On other transcripts: non-coding transcript variant (1).
Genome position (GRCh38, 1-based): chr2:74,368,808, T>G on the plus strand (A>C on the coding strand, the complement: DCTN1 is on the minus strand). VCF-style: chr2-74368808-T-G. GRCh37 (hg19) VCF-style: chr2-74595935-T-G.
Other names: c.1714A>C, p.Met572Leu (NM_001135040.3); c.1372A>C, p.Met458Leu (NM_001135041.3, NM_023019.4); c.1663A>C, p.Met555Leu (NM_001190836.2); c.1753A>C, p.Met585Leu (NM_001190837.2); c.1723A>C, p.Met575Leu (NM_001378991.1); c.1705A>C, p.Met569Leu (NM_001378992.1); short protein forms M572L, M458L, M585L, M592L, M569L, M555L, M575L.
Identifiers: ClinVar variation 2321923 (VCV002321923.5), dbSNP rs778331682, ClinGen allele CA50476132.